The following is an entry in ClinVar:

NM_000548.5(TSC2):c.1559A>C (p.His520Pro)

Gene: TSC2 (TSC complex subunit 2; plus strand). Cytogenetic location: 16p13.3.
Variant type: single nucleotide variant.
Coding change: c.1559A>C on transcript NM_000548.5 (MANE Select); coding-DNA position 1559, A replaced by C.
Protein change: p.His520Pro; replaces histidine 520 with proline.
Molecular consequence: missense variant. On other transcripts: 5 prime UTR variant (1), non-coding transcript variant (5).
Genome position (GRCh38, 1-based): chr16:2,064,387, A>C. VCF-style: chr16-2064387-A-C. GRCh37 (hg19) VCF-style: chr16-2114388-A-C.
Other names: c.1412A>C, p.His471Pro (NM_001406676.1, NM_001406679.1, NM_001318829.2 and 1 more transcripts); c.1502A>C, p.His501Pro (NM_001406677.1); c.1448A>C, p.His483Pro (NM_001406678.1, NM_001318827.2, NM_001406670.1); c.959A>C, p.His320Pro (NM_001406680.1, NM_001406682.1, NM_001406683.1 and 6 more transcripts); c.1097A>C, p.His366Pro (NM_001406681.1); c.1559A>C, p.His520Pro (NM_001077183.3, NM_001114382.3, NM_001363528.2 and 6 more transcripts); c.1592A>C, p.His531Pro (NM_001318832.2); c.1649A>C, p.His550Pro (NM_001406667.1, NM_001406668.1); and 3 more; short protein forms H320P, H366P, H471P, H483P, H501P, H516P, H520P, H531P.
Identifiers: ClinVar variation 3232081 (VCV003232081.2), dbSNP rs1220672669, ClinGen allele CA394326506.

ClinVar aggregate classification (germline): Conflicting classifications of pathogenicity. Review status: criteria provided, conflicting classifications (1 of 4 stars). 2 submissions from 2 submitters: Uncertain significance (1); Benign (1). Last evaluated 2025-05-26.

Conditions:
Hereditary cancer-predisposing syndrome. Also called: Hereditary Cancer Syndrome; Tumor predisposition; Neoplastic Syndromes, Hereditary; Hereditary neoplastic syndrome. Identifiers: Orphanet 140162, MedGen C0027672, MeSH D009386, MONDO:0015356.
Tuberous sclerosis 2 (TSC2). Identifiers: Orphanet 805, MedGen C1860707, MONDO:0013199, OMIM 613254.

gnomAD v4.1: 2 of 1,613,736 alleles (0.00012%); highest among the groups gnomAD compares: East Asian, 0.0022%; no homozygotes.

Submissions (2):

Labcorp Genetics (formerly Invitae), Labcorp
Classification: Benign for Tuberous sclerosis 2. Last evaluated: 2025-05-26. Review status: criteria provided, single submitter. Criteria: Invitae Variant Classification Sherloc (09022015). Collection method: clinical testing. Allele origin: germline.

Ambry Genetics
Classification: Uncertain significance for Hereditary cancer-predisposing syndrome. Last evaluated: 2024-03-12. Review status: criteria provided, single submitter. Criteria: Ambry Variant Classification Scheme 2023. Collection method: clinical testing. Allele origin: germline.
Comment: The p.H520P variant (also known as c.1559A>C), located in coding exon 14 of the TSC2 gene, results from an A to C substitution at nucleotide position 1559. The histidine at codon 520 is replaced by proline, an amino acid with similar properties. This amino acid position is conserved. In addition, the in silico prediction for this alteration is inconclusive. Based on the available evidence, the clinical significance of this alteration remains unclear.